The following is an entry in ClinVar:

NM_024675.4(PALB2):c.840C>T (p.Asn280=)

Gene: PALB2 (partner and localizer of BRCA2; minus strand). Cytogenetic location: 16p12.2.
Variant type: single nucleotide variant.
Coding change: c.840C>T on transcript NM_024675.4 (MANE Select); coding-DNA position 840, C replaced by T.
Protein change: p.Asn280=; no amino-acid change (asparagine 280 retained).
Molecular consequence: synonymous variant.
Genome position (GRCh38, 1-based): chr16:23,635,706, G>A on the plus strand (C>T on the coding strand, the complement: PALB2 is on the minus strand). VCF-style: chr16-23635706-G-A. GRCh37 (hg19) VCF-style: chr16-23647027-G-A.
Identifiers: ClinVar variation 461025 (VCV000461025.15), dbSNP rs375258299, ClinGen allele CA7963753.

ClinVar aggregate classification (germline): Benign/Likely benign. Review status: criteria provided, multiple submitters, no conflicts (2 of 4 stars). 4 submissions from 4 submitters: Benign (1); Likely benign (3). Last evaluated 2025-05-05.

Conditions:
Familial cancer of breast. Also called: BREAST CANCER, FAMILIAL; Hereditary breast cancer; hereditary breast carcinoma. Identifiers: Orphanet 227535, MedGen C0346153, MONDO:0016419, OMIM 114480. Disease mechanism: loss of function.
Hereditary cancer-predisposing syndrome. Also called: Neoplastic Syndromes, Hereditary; Hereditary Cancer Syndrome; Hereditary neoplastic syndrome; Tumor predisposition. Identifiers: Orphanet 140162, MedGen C0027672, MeSH D009386, MONDO:0015356.

Allele frequency attached by ClinVar (database versions not stated): ExAC 0.00001; gnomAD exomes 0.00001; ESP Exome Variant Server 0.00008.
gnomAD v4.1: 5 of 1,614,130 alleles (0.00031%); highest among the groups gnomAD compares: Non-Finnish European, 0.00042%; no homozygotes.

Submissions (4):

Labcorp Genetics (formerly Invitae), Labcorp
Classification: Likely benign for Familial cancer of breast. Last evaluated: 2025-05-05. Review status: criteria provided, single submitter. Criteria: Invitae Variant Classification Sherloc (09022015). Collection method: clinical testing. Allele origin: germline.

Myriad Genetics, Inc.
Classification: Benign for Familial cancer of breast. Last evaluated: 2025-01-10. Review status: criteria provided, single submitter. Criteria: Myriad Autosomal Dominant, Autosomal Recessive and X-Linked Classification Criteria (2023). Collection method: clinical testing. Allele origin: unknown.
Comment: This variant is considered benign. This variant is a silent/synonymous amino acid change and it is not expected to impact splicing.

Ambry Genetics
Classification: Likely benign for Hereditary cancer-predisposing syndrome. Last evaluated: 2022-11-23. Review status: criteria provided, single submitter. Criteria: Ambry Variant Classification Scheme 2023. Collection method: clinical testing. Allele origin: germline.

Color Diagnostics, LLC DBA Color Health
Classification: Likely benign for Hereditary cancer-predisposing syndrome. Last evaluated: 2018-10-17. Review status: criteria provided, single submitter. Criteria: ACMG Guidelines, 2015. Collection method: clinical testing. Allele origin: germline.